The following is an entry in ClinVar:

NM_173630.4(RTTN):c.6620C>G (p.Pro2207Arg)

Gene: RTTN (rotatin; minus strand). Cytogenetic location: 18q22.2.
Variant type: single nucleotide variant.
Coding change: c.6620C>G on transcript NM_173630.4 (MANE Select); coding-DNA position 6620, C replaced by G.
Protein change: p.Pro2207Arg; replaces proline 2207 with arginine.
Molecular consequence: missense variant.
Genome position (GRCh38, 1-based): chr18:70,004,212, G>C on the plus strand (C>G on the coding strand, the complement: RTTN is on the minus strand). VCF-style: chr18-70004212-G-C. GRCh37 (hg19) VCF-style: chr18-67671448-G-C.
Other names: c.3884C>G, p.Pro1295Arg (NM_001318520.2); short protein forms P1295R, P2207R.
Identifiers: ClinVar variation 2052208 (VCV002052208.4), dbSNP rs2056109384, ClinGen allele CA402696621.

ClinVar aggregate classification (germline): Uncertain significance (1 of 4 stars; one submission).

Submission:

Labcorp Genetics (formerly Invitae), Labcorp
Classification: Uncertain significance. Last evaluated: 2022-06-04. Review status: criteria provided, single submitter. Criteria: Invitae Variant Classification Sherloc (09022015). Collection method: clinical testing. Allele origin: germline.
Comment: In summary, the available evidence is currently insufficient to determine the role of this variant in disease. Therefore, it has been classified as a Variant of Uncertain Significance. Algorithms developed to predict the effect of missense changes on protein structure and function (SIFT, PolyPhen-2, Align-GVGD) all suggest that this variant is likely to be tolerated. This variant has not been reported in the literature in individuals affected with RTTN-related conditions. This variant is not present in population databases (gnomAD no frequency). This sequence change replaces proline, which is neutral and non-polar, with arginine, which is basic and polar, at codon 2207 of the RTTN protein (p.Pro2207Arg).